The following is an entry in ClinVar:

NM_004859.4(CLTC):c.3171T>A (p.Asn1057Lys)

Gene: CLTC (clathrin heavy chain; plus strand). Cytogenetic location: 17q23.1.
Variant type: single nucleotide variant.
Coding change: c.3171T>A on transcript NM_004859.4 (MANE Select); coding-DNA position 3171, T replaced by A.
Protein change: p.Asn1057Lys; replaces asparagine 1057 with lysine.
Molecular consequence: missense variant.
Genome position (GRCh38, 1-based): chr17:59,681,400, T>A. VCF-style: chr17-59681400-T-A. GRCh37 (hg19) VCF-style: chr17-57758761-T-A.
Other names: c.3183T>A, p.Asn1061Lys (NM_001288653.2); short protein forms N1057K, N1061K.
Identifiers: ClinVar variation 2845779 (VCV002845779.3), dbSNP rs2509150802, ClinGen allele CA400417166.

ClinVar aggregate classification (germline): Uncertain significance (1 of 4 stars; one submission).

Submission:

Labcorp Genetics (formerly Invitae), Labcorp
Classification: Uncertain significance. Last evaluated: 2023-03-14. Review status: criteria provided, single submitter. Criteria: Invitae Variant Classification Sherloc (09022015). Collection method: clinical testing. Allele origin: germline.
Comment: In summary, the available evidence is currently insufficient to determine the role of this variant in disease. Therefore, it has been classified as a Variant of Uncertain Significance. Advanced modeling of protein sequence and biophysical properties (such as structural, functional, and spatial information, amino acid conservation, physicochemical variation, residue mobility, and thermodynamic stability) performed at Invitae indicates that this missense variant is not expected to disrupt CLTC protein function. This variant has not been reported in the literature in individuals affected with CLTC-related conditions. This variant is not present in population databases (gnomAD no frequency). This sequence change replaces asparagine, which is neutral and polar, with lysine, which is basic and polar, at codon 1061 of the CLTC protein (p.Asn1061Lys).